The following is an entry in ClinVar:

ClinVar aggregate classification (germline): Uncertain significance. Review status: criteria provided, multiple submitters, no conflicts (2 of 4 stars). 5 submissions from 5 submitters: Uncertain significance (4). 1 of the submissions does not count toward it. Last evaluated 2024-08-10.

Conditions:
Bardet-Biedl syndrome 11 (BBS11). Identifiers: Orphanet 110, MedGen C1859569, MONDO:0014439, OMIM 615988.
Sarcotubular myopathy (LGMDR8). Also called: Hutterite type of muscular dystrophy; Autosomal recessive limb-girdle muscular dystrophy type 2H; MUSCULAR DYSTROPHY, LIMB-GIRDLE, AUTOSOMAL RECESSIVE 8; Limb-girdle muscular dystrophy, type 2H. Identifiers: Orphanet 1878, MedGen C0270968, MONDO:0009683, OMIM 254110.
TRIM32-related disorder. Also called: TRIM32-related condition.
Inborn genetic diseases. Identifiers: MedGen C0950123, MeSH D030342.
Bardet-Biedl syndrome (BBS). Identifiers: Orphanet 110, MedGen C0752166, MONDO:0015229.

Allele frequency attached by ClinVar (database versions not stated): gnomAD 0.00003 and 0.00004; gnomAD exomes 0.00002; TOPMed 0.00002; ExAC 0.00001.
gnomAD v4.1: 28 of 1,614,070 alleles (0.0017%); highest among the groups gnomAD compares: African/African-American, 0.0053%; no homozygotes.

Submissions (5):

Ambry Genetics
Classification: Uncertain significance for Inborn genetic diseases. Last evaluated: 2024-08-10. Review status: criteria provided, single submitter. Criteria: Ambry Variant Classification Scheme 2023. Collection method: clinical testing. Allele origin: germline.

Labcorp Genetics (formerly Invitae), Labcorp
Classification: Uncertain significance for Bardet-Biedl syndrome. Last evaluated: 2023-08-04. Review status: criteria provided, single submitter. Criteria: Invitae Variant Classification Sherloc (09022015). Collection method: clinical testing. Allele origin: germline.
Comment: In summary, the available evidence is currently insufficient to determine the role of this variant in disease. Therefore, it has been classified as a Variant of Uncertain Significance. An algorithm developed to predict the effect of missense changes on protein structure and function (PolyPhen-2) suggests that this variant is likely to be disruptive. ClinVar contains an entry for this variant (Variation ID: 937854). This variant has not been reported in the literature in individuals affected with TRIM32-related conditions. This variant is present in population databases (rs781359060, gnomAD 0.008%). This sequence change replaces arginine, which is basic and polar, with glutamine, which is neutral and polar, at codon 515 of the TRIM32 protein (p.Arg515Gln).

Fulgent Genetics
Classification: Uncertain significance for Sarcotubular myopathy; Bardet-Biedl syndrome 11. Last evaluated: 2022-05-09. Review status: criteria provided, single submitter. Criteria: ACMG Guidelines, 2015. Collection method: clinical testing. Allele origin: unknown.

Revvity Omics, Revvity
Classification: Uncertain significance. Last evaluated: 2019-10-30. Review status: criteria provided, single submitter. Criteria: ACMG Guidelines, 2015. Collection method: clinical testing. Allele origin: germline.

PreventionGenetics, part of Exact Sciences
Classification: Uncertain significance for TRIM32-related condition. Last evaluated: 2024-05-21. Review status: no assertion criteria provided. Collection method: clinical testing. Allele origin: germline. Not counted in ClinVar's aggregate classification.
Comment: The TRIM32 c.1544G>A variant is predicted to result in the amino acid substitution p.Arg515Gln. To our knowledge, this variant has not been reported in the literature. This variant is reported in 0.0080% of alleles in individuals of African descent in gnomAD. At this time, the clinical significance of this variant is uncertain due to the absence of conclusive functional and genetic evidence.

NM_012210.4(TRIM32):c.1544G>A (p.Arg515Gln)

Genes: ASTN2 (astrotactin 2; minus strand), TRIM32 (tripartite motif containing 32; plus strand). Cytogenetic location: 9q33.1.
Variant type: single nucleotide variant.
Coding change: c.1544G>A on transcript NM_012210.4 (MANE Select); coding-DNA position 1544, G replaced by A.
Protein change: p.Arg515Gln; replaces arginine 515 with glutamine.
Molecular consequence: missense variant. On other transcripts: intron variant (3).
Genome position (GRCh38, 1-based): chr9:116,699,286, G>A. VCF-style: chr9-116699286-G-A. GRCh37 (hg19) VCF-style: chr9-119461565-G-A.
Other names: c.1544G>A, p.Arg515Gln (NM_001099679.2, NM_001379048.1, NM_001379049.1 and 1 more transcripts); c.2653+26485C>T (NM_014010.5); c.2794+26485C>T (NM_001365069.1); c.2806+26485C>T (NM_001365068.1); short protein forms R515Q.
Identifiers: ClinVar variation 937854 (VCV000937854.12), dbSNP rs781359060, ClinGen allele CA5211169.